The following is an entry in ClinVar:

NM_000038.6(APC):c.317G>T (p.Arg106Leu)

Gene: APC (APC regulator of Wnt signaling pathway; plus strand). Cytogenetic location: 5q22.2.
Variant type: single nucleotide variant.
Coding change: c.317G>T on transcript NM_000038.6 (MANE Select); coding-DNA position 317, G replaced by T.
Protein change: p.Arg106Leu; replaces arginine 106 with leucine.
Molecular consequence: missense variant. On other transcripts: 5 prime UTR variant (1).
Genome position (GRCh38, 1-based): chr5:112,767,285, G>T. VCF-style: chr5-112767285-G-T. GRCh37 (hg19) VCF-style: chr5-112102982-G-T.
Other names: c.317G>T, p.Arg106Leu (NM_001127510.3, NM_001354895.2, NM_001354896.2 and 2 more transcripts); c.347G>T, p.Arg116Leu (NM_001127511.3, NM_001354897.2, NM_001354902.2); c.242G>T, p.Arg81Leu (NM_001354898.2, NM_001354904.2); c.140G>T, p.Arg47Leu (NM_001354900.2, NM_001354901.2, NM_001354905.2); c.-719G>T (NM_001354906.2); short protein forms R116L, R81L, R106L, R47L.
Identifiers: ClinVar variation 823097 (VCV000823097.18), dbSNP rs201764637, ClinGen allele CA16022017.

ClinVar aggregate classification (germline): Uncertain significance. Review status: criteria provided, multiple submitters, no conflicts (2 of 4 stars). 4 submissions from 4 submitters: Uncertain significance (4). Last evaluated 2024-09-15.

Conditions:
Hereditary cancer-predisposing syndrome. Also called: Tumor predisposition; Hereditary Cancer Syndrome; Neoplastic Syndromes, Hereditary; Hereditary neoplastic syndrome. Identifiers: Orphanet 140162, MedGen C0027672, MeSH D009386, MONDO:0015356.
Familial adenomatous polyposis 1 (FAP1). Also called: FAMILIAL ADENOMATOUS POLYPOSIS 1, ATTENUATED; POLYPOSIS, ADENOMATOUS INTESTINAL. Identifiers: MedGen C2713442, MONDO:0021056, OMIM 175100. Disease mechanism: loss of function.

Submissions (4):

Labcorp Genetics (formerly Invitae), Labcorp
Classification: Uncertain significance for Familial adenomatous polyposis 1. Last evaluated: 2024-09-15. Review status: criteria provided, single submitter. Criteria: Invitae Variant Classification Sherloc (09022015). Collection method: clinical testing. Allele origin: germline.
Comment: This sequence change replaces arginine, which is basic and polar, with leucine, which is neutral and non-polar, at codon 106 of the APC protein (p.Arg106Leu). This variant is not present in population databases (gnomAD no frequency). This variant has not been reported in the literature in individuals affected with APC-related conditions. ClinVar contains an entry for this variant (Variation ID: 823097). Invitae Evidence Modeling of protein sequence and biophysical properties (such as structural, functional, and spatial information, amino acid conservation, physicochemical variation, residue mobility, and thermodynamic stability) indicates that this missense variant is not expected to disrupt APC protein function with a negative predictive value of 95%. In summary, the available evidence is currently insufficient to determine the role of this variant in disease. Therefore, it has been classified as a Variant of Uncertain Significance.

Baylor Genetics
Classification: Uncertain significance for Familial adenomatous polyposis 1. Last evaluated: 2024-01-20. Review status: criteria provided, single submitter. Criteria: ACMG Guidelines, 2015. Collection method: clinical testing. Allele origin: unknown.

Ambry Genetics
Classification: Uncertain significance for Hereditary cancer-predisposing syndrome. Last evaluated: 2023-07-12. Review status: criteria provided, single submitter. Criteria: Ambry Variant Classification Scheme 2023. Collection method: clinical testing. Allele origin: germline.
Comment: The p.R106L variant (also known as c.317G>T), located in coding exon 3 of the APC gene, results from a G to T substitution at nucleotide position 317. The arginine at codon 106 is replaced by leucine, an amino acid with dissimilar properties. This amino acid position is highly conserved in available vertebrate species. In addition, in silico predictors for this gene do not accurately predict pathogenicity. Since supporting evidence is limited at this time, the clinical significance of this alteration remains unclear.

Color Diagnostics, LLC DBA Color Health
Classification: Uncertain significance for Hereditary cancer-predisposing syndrome. Last evaluated: 2019-03-15. Review status: criteria provided, single submitter. Criteria: ACMG Guidelines, 2015. Collection method: clinical testing. Allele origin: germline.